The following is an entry in ClinVar:

NM_000458.3(HNF1B):c.1046del

Gene: HNF1B (HNF1 homeobox B; minus strand). Cytogenetic location: 17q12.
Variant type: Deletion.
Coding change: c.1046del on transcript NM_000458.3; coding-DNA position 1046, one base deleted (G; older notation c.1046delG).
Genome position (GRCh38, 1-based): chr17:37,710,663, C deleted on the plus strand (G on the coding strand, the reverse complement: HNF1B is on the minus strand); the first of 2 consecutive C bases (chr17:37,710,663-37,710,664); deleting either gives the same sequence. VCF-style (leftmost placement, unchanged base first): chr17-37710662-TC-T. GRCh37 (hg19) VCF-style: chr17-36070670-TC-T.
Identifiers: ClinVar variation 635610 (VCV000635610.3), dbSNP rs2511724279, ClinGen allele CA913190763.
Genomic context (GRCh38, chr17:37,710,662, plus strand): 5'-ATGGTGACTGATTGTTGAGGAGGAAGTGATCTCATTGTTTCCCTGCTGGCTGTAGCGCAC[TC>T]CTGCAAAACAACACAAACCCAGTAGGGAACATTAGTGCCACCAGGGTCCTGGAACAATGA-3'

ClinVar aggregate classification (germline): Pathogenic (1 of 4 stars; one submission).

Conditions:
Renal cysts and diabetes syndrome (RCAD). Also called: Familial hypoplastic, glomerulocystic kidney; MATURITY-ONSET DIABETES OF THE YOUNG, TYPE 5. Identifiers: Orphanet 93111, MedGen C0431693, MONDO:0007669, OMIM 137920.

Submission:

Institute of Human Genetics, FAU Erlangen, Friedrich-Alexander-Universität Erlangen-Nürnberg
Classification: Pathogenic for Renal cysts and diabetes syndrome. Last evaluated: 2019-07-06. Review status: criteria provided, single submitter. Criteria: ACMG Guidelines, 2015. Collection method: literature only. Allele origin: germline. Affected: yes.
Comment: This variant and it's classification has been reported by Vasileiou et al. 2019; DOI:10.1101/576918. The variants has previously been reported in PMID:24897035 as "c.1046 delG p.Gly349GlufsX26" with clinical significance Pathogenic. It has been re-classified using InterVar and manual curation as Pathogenic based on PVS1 PM2 PP3.

Literature cited by the submitters: PubMed 24897035; DOI 10.1101/576918.